The following is an entry in ClinVar:

NM_004329.3(BMPR1A):c.545G>C (p.Ser182Thr)

Gene: BMPR1A (bone morphogenetic protein receptor type 1A; plus strand). Cytogenetic location: 10q23.2.
Variant type: single nucleotide variant.
Coding change: c.545G>C on transcript NM_004329.3 (MANE Select); coding-DNA position 545, G replaced by C.
Protein change: p.Ser182Thr; replaces serine 182 with threonine.
Molecular consequence: missense variant.
Genome position (GRCh38, 1-based): chr10:86,912,254, G>C. VCF-style: chr10-86912254-G-C. GRCh37 (hg19) VCF-style: chr10-88672011-G-C.
Other names: c.620G>C, p.Ser207Thr (NM_001406559.1); c.593G>C, p.Ser198Thr (NM_001406560.1); c.545G>C, p.Ser182Thr (NM_001406561.1, NM_001406572.1, NM_001406573.1 and 20 more transcripts); c.461G>C, p.Ser154Thr (NM_001406584.1, NM_001406585.1, NM_001406586.1 and 2 more transcripts); short protein forms S198T, S207T, S154T, S182T.
Identifiers: ClinVar variation 1747660 (VCV001747660.6), dbSNP rs1341015567, ClinGen allele CA377454171.
Genomic context (GRCh38, chr10:86,912,254, plus strand): 5'-ATAGTTTTTCATTTTTAATGTAGATTGTTTTCTGCTTTTTTAAAAGACATTATTGCAAGA[G>C]CATCTCAAGCAGACGTCGTTACAATCGTGATTTGGAACAGGATGAAGCATTTATTCCAGT-3'
Protein context (NP_004320.2, residues 172-192): SCFCYKHYCK[Ser182Thr]ISSRRRYNRD

ClinVar aggregate classification (germline): Uncertain significance. Review status: criteria provided, multiple submitters, no conflicts (2 of 4 stars). 3 submissions from 3 submitters: Uncertain significance (3). Last evaluated 2025-12-22.

Conditions:
Juvenile polyposis syndrome (JPS). Identifiers: Orphanet 2929, MedGen C0345893, MONDO:0017380, OMIM 174900.
Hereditary cancer-predisposing syndrome. Also called: Hereditary Cancer Syndrome; Hereditary neoplastic syndrome; Tumor predisposition; Neoplastic Syndromes, Hereditary. Identifiers: Orphanet 140162, MedGen C0027672, MeSH D009386, MONDO:0015356.

Submissions (3):

Helix
Classification: Uncertain significance for Juvenile polyposis syndrome. Last evaluated: 2025-12-22. Review status: criteria provided, single submitter. Criteria: ACMG Guidelines, 2015. Collection method: clinical testing. Allele origin: germline. Inheritance: Autosomal dominant inheritance.
Comment: This variant (NM_004329.3:c.545G>C p.Ser182Thr) results in the substitution of serine with threonine at codon 182 in the BMPR1A protein. It is a rare variant that is absent from the large gnomAD population database (v4.1). To our knowledge, this variant has not been reported in individuals with BMPR1A-related conditions in the published literature. In silico prediction from REVEL (PMID: 27666373) suggests that this variant may be benign. This variant is present in ClinVar (Variation ID: 1747660). In conclusion, since the available evidence is limited, the clinical significance of this variant is unclear at this time. Therefore, it is classified as a Variant of Uncertain Significance.

Labcorp Genetics (formerly Invitae), Labcorp
Classification: Uncertain significance for Juvenile polyposis syndrome. Last evaluated: 2023-08-24. Review status: criteria provided, single submitter. Criteria: Invitae Variant Classification Sherloc (09022015). Collection method: clinical testing. Allele origin: germline.
Comment: In summary, the available evidence is currently insufficient to determine the role of this variant in disease. Therefore, it has been classified as a Variant of Uncertain Significance. ClinVar contains an entry for this variant (Variation ID: 1747660). Advanced modeling of protein sequence and biophysical properties (such as structural, functional, and spatial information, amino acid conservation, physicochemical variation, residue mobility, and thermodynamic stability) performed at Invitae indicates that this missense variant is not expected to disrupt BMPR1A protein function. This sequence change replaces serine, which is neutral and polar, with threonine, which is neutral and polar, at codon 182 of the BMPR1A protein (p.Ser182Thr). This variant is not present in population databases (gnomAD no frequency). This variant has not been reported in the literature in individuals affected with BMPR1A-related conditions.

Ambry Genetics
Classification: Uncertain significance for Hereditary cancer-predisposing syndrome. Last evaluated: 2022-01-18. Review status: criteria provided, single submitter. Criteria: Ambry Variant Classification Scheme 2023. Collection method: clinical testing. Allele origin: germline.
Comment: The p.S182T variant (also known as c.545G>C), located in coding exon 6 of the BMPR1A gene, results from a G to C substitution at nucleotide position 545. The serine at codon 182 is replaced by threonine, an amino acid with similar properties. This amino acid position is conserved. In addition, this alteration is predicted to be tolerated by in silico analysis. Since supporting evidence is limited at this time, the clinical significance of this alteration remains unclear.